The following is an entry in ClinVar:

NM_000260.4(MYO7A):c.33G>A (p.Trp11Ter)

Gene: MYO7A (myosin VIIA; plus strand). Cytogenetic location: 11q13.5.
Variant type: single nucleotide variant.
Coding change: c.33G>A on transcript NM_000260.4 (MANE Select); coding-DNA position 33, G replaced by A.
Protein change: p.Trp11Ter; replaces tryptophan 11 with a stop codon.
Molecular consequence: nonsense. On other transcripts: 5 prime UTR variant (1).
Genome position (GRCh38, 1-based): chr11:77,142,723, G>A. VCF-style: chr11-77142723-G-A. GRCh37 (hg19) VCF-style: chr11-76853769-G-A.
Other names: c.33G>A, p.Trp11Ter (NM_001127180.2); c.-1G>A (NM_001369365.1); short protein forms W11*.
Identifiers: ClinVar variation 984275 (VCV000984275.3), dbSNP rs1555051419, ClinGen allele CA381947520.
Genomic context (GRCh38, chr11:77,142,723, plus strand): 5'-ATCCCCCTCCCTGCTCACCTGGGCTGAGACTCTCTCTCGCCCATAGGGGGACCATGTGTG[G>A]ATGGACCTGAGATTGGGGCAGGAGTTCGACGTGCCCATCGGGGCGGTGGTGAAGCTCTGC-3'

ClinVar aggregate classification (germline): Likely pathogenic (1 of 4 stars; one submission).

Conditions:
Usher syndrome type 1 (USH1). Also called: RETINITIS PIGMENTOSA AND CONGENITAL DEAFNESS. Identifiers: Orphanet 231169, Orphanet 886, MedGen C1568247, MONDO:0010168, OMIM 276900.

Allele frequency attached by ClinVar (database versions not stated): gnomAD exomes below 0.00001.
gnomAD v4.1: 2 of 1,610,776 alleles (0.00012%); highest among the groups gnomAD compares: Non-Finnish European, 0.00017%; no homozygotes.

Submission:

Myriad Genetics, Inc.
Classification: Likely pathogenic for Usher syndrome type 1. Last evaluated: 2019-03-21. Review status: criteria provided, single submitter. Criteria: Myriad Women's Health Autosomal Recessive and X-Linked Classification Criteria (2019). Collection method: clinical testing. Allele origin: unknown.
Comment: NM_000260.3(MYO7A):c.33G>A(W11*) is expected to be pathogenic in the context of MYO7A-related disorders. This variant is predicted to lead to an abnormal or absent protein product due to the creation of a premature termination codon in MYO7A, a gene where loss-of-function variants are known to be pathogenic. Please note: this variant was assessed in the context of healthy population screening.